The following is an entry in ClinVar:

NM_001349253.2(SCN11A):c.1937G>A (p.Ser646Asn)

Gene: SCN11A (sodium voltage-gated channel alpha subunit 11; minus strand). Cytogenetic location: 3p22.2.
Variant type: single nucleotide variant.
Coding change: c.1937G>A on transcript NM_001349253.2 (MANE Select); coding-DNA position 1937, G replaced by A.
Protein change: p.Ser646Asn; replaces serine 646 with asparagine.
Molecular consequence: missense variant.
Genome position (GRCh38, 1-based): chr3:38,899,979, C>T on the plus strand (G>A on the coding strand, the complement: SCN11A is on the minus strand). VCF-style: chr3-38899979-C-T. GRCh37 (hg19) VCF-style: chr3-38941470-C-T.
Other names: p.Ser646Asn; c.1937G>A, p.Ser646Asn (NM_014139.3); short protein forms S646N.
Identifiers: ClinVar variation 2682830 (VCV002682830.1), dbSNP rs2470573834, ClinGen allele CA352161669.

ClinVar aggregate classification (germline): Uncertain significance (1 of 4 stars; one submission).

Allele frequency attached by ClinVar (database versions not stated): gnomAD exomes below 0.00001.
gnomAD v4.1: 2 of 1,614,060 alleles (0.00012%); highest among the groups gnomAD compares: Non-Finnish European, 0.00017%; no homozygotes.

Submission:

Mayo Clinic Laboratories, Mayo Clinic
Classification: Uncertain significance. Last evaluated: 2022-02-11. Review status: criteria provided, single submitter. Criteria: ACMG Guidelines, 2015. Collection method: clinical testing. Allele origin: germline. Observed: 3 variant alleles.
Comment: PM2